The following is an entry in ClinVar:

ClinVar aggregate classification (germline): Uncertain significance (1 of 4 stars; one submission).

Conditions:
Dyskeratosis congenita, autosomal dominant 1 (DKCA1). Also called: Dyskeratosis congenita Scoggins type. Identifiers: Orphanet 1775, MedGen C4551974, MONDO:0007485, OMIM 127550. Inheritance: Variable.

Submission:

Labcorp Genetics (formerly Invitae), Labcorp
Classification: Uncertain significance for Dyskeratosis congenita, autosomal dominant 1. Last evaluated: 2020-01-02. Review status: criteria provided, single submitter. Criteria: Invitae Variant Classification Sherloc (09022015). Collection method: clinical testing. Allele origin: germline.
Comment: This variant has not been reported in the literature in individuals with TERC-related conditions. This variant is located within the conserved regions 4 and 5 (CR4-CR5) domain of the TERC RNA component, which is required for telomerase activity (PMID: 15082312, 21844345). Functional studies testing the effect of this variant on TERC secondary structure or function have not been reported. In summary, the available evidence is currently insufficient to determine the role of this variant in disease. Therefore, it has been classified as a Variant of Uncertain Significance. The frequency data for this variant in the population databases is considered unreliable, as metrics indicate insufficient coverage at this position in the ExAC database. This variant occurs in the TERC gene, which encodes an RNA molecule that does not result in a protein product.

Literature cited by the submitters: PubMed 15082312; PubMed 21844345.

NC_000003.12:g.169764774G>T

Genes: TERC (telomerase RNA component; minus strand), LOC110806306 (telomerase RNA component (TERC) promoter; plus strand). Cytogenetic location: 3q26.2.
Variant type: single nucleotide variant.
Genome position: GRCh38 VCF-style: chr3-169764774-G-T. GRCh37 (hg19) VCF-style: chr3-169482562-G-T.
Identifiers: ClinVar variation 962222 (VCV000962222.10), dbSNP rs1777960407, ClinGen allele CA436715154.
Genomic context (GRCh38, chr3:169,764,774, plus strand): 5'-CTCGCCCTCGCCCCCGAGAGACCCGCGGCTGACAGAGCCCAACTCTTCGCGGTGGCAGTG[G>T]GTGCCTCCGGAGAAGCCCCGGGCCGACCGCGGCCTCCAGGCGGGGTTCGGGGGCTGGGCA-3'